The following is an entry in ClinVar:

ClinVar aggregate classification (germline): Likely benign. Review status: criteria provided, multiple submitters, no conflicts (2 of 4 stars). 2 submissions from 2 submitters: Likely benign (2). Last evaluated 2022-03-01.

Submissions (2):

CeGaT Center for Human Genetics Tuebingen
Classification: Likely benign. Last evaluated: 2022-03-01. Review status: criteria provided, single submitter. Criteria: CeGaT Center For Human Genetics Tuebingen Variant Classification Criteria Version 2. Collection method: clinical testing. Allele origin: germline. Affected: yes. Observed: 1 variant allele.
Comment: F13B: BP4

Labcorp Genetics (formerly Invitae), Labcorp
Classification: Likely benign. Last evaluated: 2019-12-31. Review status: criteria provided, single submitter. Criteria: Invitae Variant Classification Sherloc (09022015). Collection method: clinical testing. Allele origin: germline.

NM_001994.3(F13B):c.1739-8_1739-6del

Gene: F13B (coagulation factor XIII B chain; minus strand). Cytogenetic location: 1q31.3.
Variant type: Microsatellite.
Coding change: c.1739-8_1739-6del on transcript NM_001994.3 (MANE Select); 8 bases into the intron before coding-DNA position 1739 through 6 bases into the intron before coding-DNA position 1739, 3 bases deleted (GTT; older notation c.1739-8_1739-6delGTT).
Molecular consequence: intron variant.
Genome position (GRCh38, 1-based): chr1:197,040,741-197,040,743, AAC deleted on the plus strand (GTT on the coding strand, the reverse complement: F13B is on the minus strand); deleting any 3 consecutive bases within chr1:197,040,741-197,040,748 gives the same sequence; the c. name uses the placement nearest the transcript's 3' end. VCF-style (leftmost placement, unchanged base first): chr1-197040740-GAAC-G. GRCh37 (hg19) VCF-style: chr1-197009870-GAAC-G.
Other names: c.1739-8_1739-6delGTT (NM_001994.2).
Identifiers: ClinVar variation 294571 (VCV000294571.41), dbSNP rs556380704, ClinGen allele CA1308245.